The following is an entry in ClinVar:

NM_002742.3(PRKD1):c.802A>T (p.Lys268Ter)

Gene: PRKD1 (protein kinase D1; minus strand). Cytogenetic location: 14q12.
Variant type: single nucleotide variant.
Coding change: c.802A>T on transcript NM_002742.3 (MANE Select); coding-DNA position 802, A replaced by T.
Protein change: p.Lys268Ter; replaces lysine 268 with a stop codon.
Molecular consequence: nonsense.
Genome position (GRCh38, 1-based): chr14:29,638,799, T>A on the plus strand (A>T on the coding strand, the complement: PRKD1 is on the minus strand). VCF-style: chr14-29638799-T-A. GRCh37 (hg19) VCF-style: chr14-30108005-T-A.
Other names: c.826A>T, p.Lys276Ter (NM_001330069.2); c.538A>T, p.Lys180Ter (NM_001348390.1); short protein forms K180*, K268*, K276*.
Identifiers: ClinVar variation 2631720 (VCV002631720.1), dbSNP rs201154013, ClinGen allele CA7141367.

ClinVar aggregate classification (germline): Uncertain significance (1 of 4 stars; one submission).

Conditions:
PRKD1-related disorder. Also called: PRKD1-related condition.

Allele frequency attached by ClinVar (database versions not stated): ExAC 0.00001; TOPMed 0.00001; gnomAD 0.00004; ESP Exome Variant Server 0.00008; gnomAD exomes 0.00016.
gnomAD v4.1: 233 of 1,612,474 alleles (0.014%); highest among the groups gnomAD compares: Non-Finnish European, 0.019%; no homozygotes.

Submission:

PreventionGenetics, part of Exact Sciences
Classification: Uncertain significance for PRKD1-related condition. Last evaluated: 2023-07-23. Review status: criteria provided, single submitter. Criteria: ACMG Guidelines, 2015. Collection method: clinical testing. Allele origin: germline.
Comment: The PRKD1 c.826A>T variant is predicted to result in premature protein termination (p.Lys276*). To our knowledge, this variant has not been reported in the literature. This variant is reported in 0.0054% of alleles in individuals of European (Non-Finnish) descent in gnomAD. Although we suspect that this variant may be pathogenic, at this time, the clinical significance of this variant is uncertain due to the absence of conclusive functional and genetic evidence.